The following is an entry in ClinVar:

ClinVar aggregate classification (germline): Conflicting classifications of pathogenicity. Review status: criteria provided, conflicting classifications (1 of 4 stars). 3 submissions from 3 submitters: Uncertain significance (1); Likely benign (1). 1 of the submissions does not count toward it. Last evaluated 2026-01-28.

Conditions:
TOP3A-related disorder. Also called: TOP3A-related disorders; TOP3A-related condition.

Allele frequency attached by ClinVar (database versions not stated): gnomAD exomes 0.00010; ExAC 0.00038; gnomAD 0.00102; TOPMed 0.00112; 1000 Genomes Project 0.00120; 1000 Genomes Project 30x 0.00125; ESP Exome Variant Server 0.00154.
gnomAD v4.1: 305 of 1,614,242 alleles (0.019%); highest among the groups gnomAD compares: African/African-American, 0.38%; no homozygotes.

Submissions (3):

Labcorp Genetics (formerly Invitae), Labcorp
Classification: Likely benign. Last evaluated: 2026-01-28. Review status: criteria provided, single submitter. Criteria: Invitae Variant Classification Sherloc (09022015). Collection method: clinical testing. Allele origin: germline.

GeneDx
Classification: Uncertain significance. Last evaluated: 2023-10-24. Review status: criteria provided, single submitter. Criteria: GeneDx Variant Classification Process June 2021. Collection method: clinical testing. Allele origin: germline. Affected: yes.
Comment: Has not been previously published as pathogenic or benign to our knowledge; In silico analysis supports that this missense variant has a deleterious effect on protein structure/function

PreventionGenetics, part of Exact Sciences
Classification: Likely benign for TOP3A-related condition. Last evaluated: 2024-01-24. Review status: no assertion criteria provided. Collection method: clinical testing. Allele origin: germline. Not counted in ClinVar's aggregate classification.
Comment: This variant is classified as likely benign based on ACMG/AMP sequence variant interpretation guidelines (Richards et al. 2015 PMID: 25741868, with internal and published modifications).

NM_004618.5(TOP3A):c.2435C>T (p.Thr812Ile)

Gene: TOP3A (DNA topoisomerase III alpha; minus strand). Cytogenetic location: 17p11.2.
Variant type: single nucleotide variant.
Coding change: c.2435C>T on transcript NM_004618.5 (MANE Select); coding-DNA position 2435, C replaced by T.
Protein change: p.Thr812Ile; replaces threonine 812 with isoleucine.
Molecular consequence: missense variant.
Genome position (GRCh38, 1-based): chr17:18,278,067, G>A on the plus strand (C>T on the coding strand, the complement: TOP3A is on the minus strand). VCF-style: chr17-18278067-G-A. GRCh37 (hg19) VCF-style: chr17-18181381-G-A.
Other names: c.2150C>T, p.Thr717Ile (NM_001320759.2); c.2435C>T (NM_004618.4); short protein forms T812I, T717I.
Identifiers: ClinVar variation 2068315 (VCV002068315.7), dbSNP rs138626975, ClinGen allele CA8429603.
Genomic context (GRCh38, chr17:18,278,067, plus strand): 5'-CCCCGGTTGGGGCCCTCCTTACGGACAGTGAGCAGCACAGCCTCCTGGCCACAGTTGCAG[G>A]TCACAGAATTGCTTTCACCAGCAGCCGTGGGTGGTGGGAGGGTCTGGGCCAGAGCCTTTG-3'
Protein context (NP_004609.1, residues 802-822): PTAAGESNSV[Thr812Ile]CNCGQEAVLL